The following is an entry in ClinVar:

ClinVar aggregate classification (germline): Conflicting classifications of pathogenicity. Review status: criteria provided, conflicting classifications (1 of 4 stars). 2 submissions from 2 submitters: Uncertain significance (1); Likely benign (1). Last evaluated 2022-12-01.

Submissions (2):

CeGaT Center for Human Genetics Tuebingen
Classification: Uncertain significance. Last evaluated: 2022-12-01. Review status: criteria provided, single submitter. Criteria: CeGaT Center For Human Genetics Tuebingen Variant Classification Criteria Version 2. Collection method: clinical testing. Allele origin: germline. Affected: yes. Observed: 1 variant allele.
Comment: CREBBP: PM2:Supporting, PP2, PP3

GeneDx
Classification: Likely benign. Last evaluated: 2016-03-11. Review status: criteria provided, single submitter. Criteria: GeneDx Variant Classification (06012015). Collection method: clinical testing. Allele origin: germline. Affected: yes.
Comment: This variant is considered likely benign or benign based on one or more of the following criteria: it is a conservative change, it occurs at a poorly conserved position in the protein, it is predicted to be benign by multiple in silico algorithms, and/or has population frequency not consistent with disease.

NM_004380.3(CREBBP):c.3889C>T (p.His1297Tyr)

Gene: CREBBP (CREB binding lysine acetyltransferase; minus strand). Cytogenetic location: 16p13.3.
Variant type: single nucleotide variant.
Coding change: c.3889C>T on transcript NM_004380.3 (MANE Select); coding-DNA position 3889, C replaced by T.
Protein change: p.His1297Tyr; replaces histidine 1297 with tyrosine.
Molecular consequence: missense variant.
Genome position (GRCh38, 1-based): chr16:3,745,302, G>A on the plus strand (C>T on the coding strand, the complement: CREBBP is on the minus strand). VCF-style: chr16-3745302-G-A. GRCh37 (hg19) VCF-style: chr16-3795303-G-A.
Other names: c.3775C>T, p.His1259Tyr (NM_001079846.1); short protein forms H1297Y, H1259Y.
Identifiers: ClinVar variation 383213 (VCV000383213.30), dbSNP rs1057521558, ClinGen allele CA16608188.